The following is an entry in ClinVar:

ClinVar aggregate classification (germline): Likely pathogenic. Review status: criteria provided, multiple submitters, no conflicts (2 of 4 stars). 2 submissions from 2 submitters: Likely pathogenic (2). Last evaluated 2025-08-15.

Conditions:
Mucopolysaccharidosis, MPS-III-A (MPS3A). Also called: Mucopolysaccharidosis, type IIIA; MPS IIIA (Sanfilippo Syndrome Type A); MPS III A; SANFILIPPO SYNDROME A; SULFAMIDASE DEFICIENCY; Mucopolysaccharidosis type IIIA (Sanfilippo A). Identifiers: Orphanet 581, Orphanet 79269, MedGen C0086647, MONDO:0009655, OMIM 252900.

Submissions (2):

Natera, Inc.
Classification: Likely pathogenic for Mucopolysaccharidosis type IIIA. Last evaluated: 2025-08-15. Review status: criteria provided, single submitter. Criteria: Natera Variant Classification Schema (03/2026). Collection method: clinical testing. Allele origin: germline.
Comment: The c.118T>A variant in SGSH is a missense variant predicted to cause substitution of tyrosine to asparagine at amino acid 40. This variant is rare in the general population with a frequency below the threshold expected for the associated phenotype(s). This variant has been observed in one or more individuals affected with the associated recessive disease, as either homozygous or compound heterozygous with a second variant (PMID: 30809705). This variant has been identified in one or more affected individuals with a phenotype highly consistent with the associated gene (PMID: 30809705). Functional studies show that this variant may disrupt protein function (PMID: 10727844). Computational prediction algorithms indicate this variant is likely to affect gene or protein function. Given the available evidence, this variant is classified as Likely Pathogenic.

Laboratory of Diagnosis and Therapy of Lysosomal Disorders, University of Padova
Classification: Likely pathogenic for Mucopolysaccharidosis, MPS-III-A. Last evaluated: 2019-01-01. Review status: criteria provided, single submitter. Criteria: ACMG Guidelines, 2015. Collection method: literature only. Allele origin: germline. Affected: yes.
Comment: PS3: Low in vitro enzymatic activity. PM2: Absent from GnomAD

Literature cited by the submitters: PubMed 30809705 (cited by Natera, Inc. and Laboratory of Diagnosis and Therapy of Lysosomal Disorders, University of Padova); PubMed 10727844 (cited by Natera, Inc. and Laboratory of Diagnosis and Therapy of Lysosomal Disorders, University of Padova); PubMed 9554748 (cited by Laboratory of Diagnosis and Therapy of Lysosomal Disorders, University of Padova).

NM_000199.5(SGSH):c.118T>A (p.Tyr40Asn)

Gene: SGSH (N-sulfoglucosamine sulfohydrolase; minus strand). Cytogenetic location: 17q25.3.
Variant type: single nucleotide variant.
Coding change: c.118T>A on transcript NM_000199.5 (MANE Select); coding-DNA position 118, T replaced by A.
Protein change: p.Tyr40Asn; replaces tyrosine 40 with asparagine.
Molecular consequence: missense variant. On other transcripts: non-coding transcript variant (1).
Genome position (GRCh38, 1-based): chr17:80,217,163, A>T on the plus strand (T>A on the coding strand, the complement: SGSH is on the minus strand). VCF-style: chr17-80217163-A-T. GRCh37 (hg19) VCF-style: chr17-78190962-A-T.
Other names: c.118T>A, p.Tyr40Asn (NM_001352921.3, NM_001352922.2); short protein forms Y40N.
Identifiers: ClinVar variation 638087 (VCV000638087.2), dbSNP rs1598758001, ClinGen allele CA401364635.